The following is an entry in ClinVar:

NM_002516.4(NOVA2):c.1104_1134del (p.Gly369fs)

Gene: NOVA2 (NOVA alternative splicing regulator 2; minus strand). Cytogenetic location: 19q13.32.
Variant type: Deletion.
Coding change: c.1104_1134del on transcript NM_002516.4 (MANE Select); coding-DNA positions 1104 to 1134, 31 bases deleted.
Protein change: p.Gly369fs; shifts the reading frame from glycine 369.
Molecular consequence: frameshift variant.
Genome position (GRCh38, 1-based): chr19:45,940,208-45,940,238, 31 bases deleted; deleting any 31 consecutive bases within chr19:45,940,208-45,940,243 gives the same sequence; the c. name uses the placement nearest the transcript's 3' end. GRCh37 (hg19): chr19:46,443,471-46,443,501.
Other names: short protein forms G369fs.
Identifiers: ClinVar variation 2630361 (VCV002630361.1), dbSNP rs2513851808, ClinGen allele CA2695201335.

ClinVar aggregate classification (germline): Likely pathogenic (1 of 4 stars; one submission).

Conditions:
NOVA2-related disorder. Also called: NOVA2-related condition.

Submission:

PreventionGenetics, part of Exact Sciences
Classification: Likely pathogenic for NOVA2-related condition. Last evaluated: 2023-03-03. Review status: criteria provided, single submitter. Criteria: ACMG Guidelines, 2015. Collection method: clinical testing. Allele origin: germline.
Comment: The NOVA2 c.1104_1134del31 variant is predicted to result in a frameshift and premature protein termination (p.Gly369Alafs*17). To our knowledge, this variant has not been reported in the literature or in a large population database, indicating this variant is rare. However, frameshift variants in NOVA2 are expected to be pathogenic (see, for example, Mattioli et al. 2020. PubMed ID: 32197073; Scala et al. 2022. PubMed ID: 35607920). Taken together, this variant is interpreted as likely pathogenic.